The following is an entry in ClinVar:

NM_000548.5(TSC2):c.3619A>G (p.Ser1207Gly)

Gene: TSC2 (TSC complex subunit 2; plus strand). Cytogenetic location: 16p13.3.
Variant type: single nucleotide variant.
Coding change: c.3619A>G on transcript NM_000548.5 (MANE Select); coding-DNA position 3619, A replaced by G.
Protein change: p.Ser1207Gly; replaces serine 1207 with glycine.
Molecular consequence: missense variant. On other transcripts: non-coding transcript variant (5).
Genome position (GRCh38, 1-based): chr16:2,081,603, A>G. VCF-style: chr16-2081603-A-G. GRCh37 (hg19) VCF-style: chr16-2131604-A-G.
Other names: c.3487A>G, p.Ser1163Gly (NM_001077183.3, NM_001370404.1, NM_001406665.1); c.3619A>G, p.Ser1207Gly (NM_001114382.3); c.3379A>G, p.Ser1127Gly (NM_001318827.2); c.3343A>G, p.Ser1115Gly (NM_001318829.2); c.2887A>G, p.Ser963Gly (NM_001318831.2, NM_001406687.1, NM_001406688.1); c.3520A>G, p.Ser1174Gly (NM_001318832.2); c.3490A>G, p.Ser1164Gly (NM_001363528.2, NM_001370405.1, NM_021055.3); c.3616A>G, p.Ser1206Gly (NM_001406663.1, NM_001406664.1); and 18 more; short protein forms S1006G, S1007G, S1010G, S1114G, S1115G, S1126G, S1127G, S1144G.
Identifiers: ClinVar variation 4866075 (VCV004866075.1).

ClinVar aggregate classification (germline): Uncertain significance (1 of 4 stars; one submission).

Conditions:
Hereditary cancer-predisposing syndrome. Also called: Neoplastic Syndromes, Hereditary; Tumor predisposition; Hereditary Cancer Syndrome; Hereditary neoplastic syndrome. Identifiers: Orphanet 140162, MedGen C0027672, MeSH D009386, MONDO:0015356.

Submission:

Ambry Genetics
Classification: Uncertain significance for Hereditary cancer-predisposing syndrome. Last evaluated: 2026-03-29. Review status: criteria provided, single submitter. Criteria: Ambry Variant Classification Scheme 2023. Collection method: clinical testing. Allele origin: germline.
Comment: The p.S1207G variant (also known as c.3619A>G), located in coding exon 30 of the TSC2 gene, results from an A to G substitution at nucleotide position 3619. The serine at codon 1207 is replaced by glycine, an amino acid with similar properties. This amino acid position is conserved. In addition, this alteration is predicted to be deleterious by in silico analysis. Based on the available evidence, the clinical significance of this variant remains unclear.